The following is an entry in ClinVar:

NM_004736.4(XPR1):c.1958G>A (p.Arg653Gln)

Gene: XPR1 (xenotropic and polytropic retrovirus receptor 1; plus strand). Cytogenetic location: 1q25.3.
Variant type: single nucleotide variant.
Coding change: c.1958G>A on transcript NM_004736.4 (MANE Select); coding-DNA position 1958, G replaced by A.
Protein change: p.Arg653Gln; replaces arginine 653 with glutamine.
Molecular consequence: missense variant. On other transcripts: non-coding transcript variant (1).
Genome position (GRCh38, 1-based): chr1:180,880,225, G>A. VCF-style: chr1-180880225-G-A. GRCh37 (hg19) VCF-style: chr1-180849361-G-A.
Other names: c.1763G>A, p.Arg588Gln (NM_001135669.2); short protein forms R588Q, R653Q.
Identifiers: ClinVar variation 1433294 (VCV001433294.10), dbSNP rs772514789, ClinGen allele CA1272868.

ClinVar aggregate classification (germline): Uncertain significance. Review status: criteria provided, multiple submitters, no conflicts (2 of 4 stars). 3 submissions from 3 submitters: Uncertain significance (3). Last evaluated 2025-12-17.

Allele frequency attached by ClinVar (database versions not stated): gnomAD exomes 0.00001 and 0.00002; ExAC 0.00002; gnomAD 0.00003 and 0.00004; TOPMed 0.00003.
gnomAD v4.1: 25 of 1,614,028 alleles (0.0015%); highest among the groups gnomAD compares: East Asian, 0.013%; no homozygotes.

Submissions (3):

Women's Health and Genetics/Laboratory Corporation of America, LabCorp
Classification: Uncertain significance. Last evaluated: 2025-12-17. Review status: criteria provided, single submitter. Criteria: LabCorp Variant Classification Summary - May 2015. Collection method: clinical testing. Allele origin: germline.
Comment: Variant summary: XPR1 c.1958G>A (p.Arg653Gln) results in a conservative amino acid change in the encoded protein sequence. Algorithms developed to predict the effect of missense changes on protein structure and function are either unavailable or do not agree on the potential impact of this missense change. The variant allele was found at a frequency of 1.6e-05 in 251482 control chromosomes. The available data on variant occurrences in the general population are insufficient to allow any conclusion about variant significance. To our knowledge, no occurrence of c.1958G>A in individuals affected with XPR1-related conditions and no experimental evidence demonstrating its impact on protein function have been reported. ClinVar contains an entry for this variant (Variation ID: 1433294). Based on the evidence outlined above, the variant was classified as uncertain significance.

Blueprint Genetics
Classification: Uncertain significance. Last evaluated: 2024-06-27. Review status: criteria provided, single submitter. Criteria: ACMG Guidelines, 2015. Collection method: clinical testing. Allele origin: germline.

Labcorp Genetics (formerly Invitae), Labcorp
Classification: Uncertain significance. Last evaluated: 2023-04-14. Review status: criteria provided, single submitter. Criteria: Invitae Variant Classification Sherloc (09022015). Collection method: clinical testing. Allele origin: germline.
Comment: This sequence change replaces arginine, which is basic and polar, with glutamine, which is neutral and polar, at codon 653 of the XPR1 protein (p.Arg653Gln). This variant is present in population databases (rs772514789, gnomAD 0.005%). This variant has not been reported in the literature in individuals affected with XPR1-related conditions. ClinVar contains an entry for this variant (Variation ID: 1433294). An algorithm developed to predict the effect of missense changes on protein structure and function (PolyPhen-2) suggests that this variant is likely to be tolerated. In summary, the available evidence is currently insufficient to determine the role of this variant in disease. Therefore, it has been classified as a Variant of Uncertain Significance.